The following is an entry in ClinVar:

NM_016343.4(CENPF):c.143T>C (p.Leu48Pro)

Gene: CENPF (centromere protein F; plus strand). Cytogenetic location: 1q41.
Variant type: single nucleotide variant.
Coding change: c.143T>C on transcript NM_016343.4 (MANE Select); coding-DNA position 143, T replaced by C.
Protein change: p.Leu48Pro; replaces leucine 48 with proline.
Molecular consequence: missense variant.
Genome position (GRCh38, 1-based): chr1:214,613,897, T>C. VCF-style: chr1-214613897-T-C. GRCh37 (hg19) VCF-style: chr1-214787240-T-C.
Other names: short protein forms L48P.
Identifiers: ClinVar variation 1703970 (VCV001703970.2), dbSNP rs2528330185, ClinGen allele CA344824876.
Genomic context (GRCh38, chr1:214,613,897, plus strand): 5'-ACAAACTGAAGAAGGAAAAGCAGCAAAGGCAGTTTCAGCTTGACAGTCTCGAGGCTGCGC[T>C]GCAGAAGCAAAAACAGAAGGTACCCCTGAAGCTCTGGTATTTGTAGCTGTTCACTCATTA-3'
Protein context (NP_057427.3, residues 38-58): QFQLDSLEAA[Leu48Pro]QKQKQKVENE

ClinVar aggregate classification (germline): Uncertain significance (1 of 4 stars; one submission).

Submission:

GeneDx
Classification: Uncertain significance. Last evaluated: 2022-03-01. Review status: criteria provided, single submitter. Criteria: GeneDx Variant Classification Process June 2021. Collection method: clinical testing. Allele origin: germline. Affected: yes.
Comment: Not observed at significant frequency in large population cohorts (gnomAD); In silico analysis supports that this missense variant has a deleterious effect on protein structure/function; Has not been previously published as pathogenic or benign to our knowledge